The following is an entry in ClinVar:

ClinVar aggregate classification (germline): Uncertain significance. Review status: criteria provided, multiple submitters, no conflicts (2 of 4 stars). 2 submissions from 2 submitters: Uncertain significance (2). Last evaluated 2022-07-05.

Conditions:
Hereditary cancer-predisposing syndrome. Also called: Tumor predisposition; Hereditary neoplastic syndrome; Neoplastic Syndromes, Hereditary; Hereditary Cancer Syndrome. Identifiers: Orphanet 140162, MedGen C0027672, MeSH D009386, MONDO:0015356.

Submissions (2):

Ambry Genetics
Classification: Uncertain significance for Hereditary cancer-predisposing syndrome. Last evaluated: 2022-07-05. Review status: criteria provided, single submitter. Criteria: Ambry Variant Classification Scheme 2023. Collection method: clinical testing. Allele origin: germline.
Comment: The p.R2028K variant (also known as c.6083G>A), located in coding exon 44 of the POLE gene, results from a G to A substitution at nucleotide position 6083. The arginine at codon 2028 is replaced by lysine, an amino acid with highly similar properties. This amino acid position is conserved. In addition, this alteration is predicted to be tolerated by in silico analysis. Since supporting evidence is limited at this time, the clinical significance of this alteration remains unclear.

Labcorp Genetics (formerly Invitae), Labcorp
Classification: Uncertain significance. Last evaluated: 2021-09-19. Review status: criteria provided, single submitter. Criteria: Invitae Variant Classification Sherloc (09022015). Collection method: clinical testing. Allele origin: germline.
Comment: This sequence change replaces arginine with lysine at codon 2028 of the POLE protein (p.Arg2028Lys). The arginine residue is moderately conserved and there is a small physicochemical difference between arginine and lysine. This variant is not present in population databases (ExAC no frequency). This variant has not been reported in the literature in individuals affected with POLE-related conditions. Algorithms developed to predict the effect of missense changes on protein structure and function output the following: SIFT: "Tolerated"; PolyPhen-2: "Benign"; Align-GVGD: "Class C0". The lysine amino acid residue is found in multiple mammalian species, which suggests that this missense change does not adversely affect protein function. In summary, the available evidence is currently insufficient to determine the role of this variant in disease. Therefore, it has been classified as a Variant of Uncertain Significance.

NM_006231.4(POLE):c.6083G>A (p.Arg2028Lys)

Gene: POLE (DNA polymerase epsilon, catalytic subunit; minus strand). Cytogenetic location: 12q24.33.
Variant type: single nucleotide variant.
Coding change: c.6083G>A on transcript NM_006231.4 (MANE Select); coding-DNA position 6083, G replaced by A.
Protein change: p.Arg2028Lys; replaces arginine 2028 with lysine.
Molecular consequence: missense variant.
Genome position (GRCh38, 1-based): chr12:132,632,717, C>T on the plus strand (G>A on the coding strand, the complement: POLE is on the minus strand). VCF-style: chr12-132632717-C-T. GRCh37 (hg19) VCF-style: chr12-133209303-C-T.
Other names: short protein forms R2028K.
Identifiers: ClinVar variation 1491599 (VCV001491599.8), dbSNP rs749132017, ClinGen allele CA387370570.